The following is an entry in ClinVar:

NR_023317.1(RNU7-1):n.18T>C

Genes: C12orf57 (chromosome 12 open reading frame 57; plus strand), RNU7-1 (RNA, U7 small nuclear 1; plus strand). Cytogenetic location: 12p13.31.
Variant type: single nucleotide variant.
Molecular consequence: non-coding transcript variant (on NR_023317.1). On other transcripts: intron variant (2).
Genome position: GRCh38 VCF-style: chr12-6943833-T-C. GRCh37 (hg19) VCF-style: chr12-7052996-T-C.
Other names: c.13+171T>C (NM_001301836.2); c.-16+171T>C (NM_001301834.1).
Identifiers: ClinVar variation 5041285 (VCV005041285.1).
Genomic context (GRCh38, chr12:6,943,833, plus strand): 5'-GGAGTTCCTTTATATCCCATCTTCTCTCCAAACACATACGCAGCAGTGTTACAGCTCTTT[T>C]AGAATTTGTCTAGTAGGCTTTCTGGCTTTTTACCGGAAAGCCCCTCTTATGATGTTTGTT-3'

ClinVar aggregate classification (germline): Uncertain significance (1 of 4 stars; one submission).

gnomAD v4.1: 93 of 876,846 alleles (0.011%); highest among the groups gnomAD compares: Non-Finnish European, 0.013%; no homozygotes.

Submission:

CeGaT Center for Human Genetics Tuebingen
Classification: Uncertain significance. Last evaluated: 2026-09-01. Review status: criteria provided, single submitter. Criteria: CeGaT Center For Human Genetics Tuebingen Variant Classification Criteria Version 2. Collection method: clinical testing. Allele origin: germline. Affected: yes. Observed: 1 variant allele.
Comment: RNU7-1: PM2, BP4